The following is an entry in ClinVar:

ClinVar aggregate classification (germline): Uncertain significance (1 of 4 stars; one submission).

Allele frequency attached by ClinVar (database versions not stated): TOPMed 0.00001.
gnomAD v4.1: 19 of 1,614,098 alleles (0.0012%); highest among the groups gnomAD compares: Non-Finnish European, 0.0014%; no homozygotes.

Submission:

Ambry Genetics
Classification: Uncertain significance. Last evaluated: 2023-09-29. Review status: criteria provided, single submitter. Criteria: Ambry Variant Classification Scheme 2023. Collection method: clinical testing. Allele origin: germline.
Comment: The p.C684Y variant (also known as c.2051G>A), located in coding exon 18 of the RAD54L gene, results from a G to A substitution at nucleotide position 2051. The cysteine at codon 684 is replaced by tyrosine, an amino acid with highly dissimilar properties. This amino acid position is conserved. In addition, this alteration is predicted to be deleterious by in silico analysis. Since supporting evidence is limited at this time, the clinical significance of this alteration remains unclear.

NM_003579.4(RAD54L):c.2051G>A (p.Cys684Tyr)

Genes: LRRC41 (leucine rich repeat containing 41; minus strand), RAD54L (RAD54 like; plus strand). Cytogenetic location: 1p34.1.
Variant type: single nucleotide variant.
Coding change: c.2051G>A on transcript NM_003579.4 (MANE Select); coding-DNA position 2051, G replaced by A.
Protein change: p.Cys684Tyr; replaces cysteine 684 with tyrosine.
Molecular consequence: missense variant. On other transcripts: 3 prime UTR variant (1).
Genome position (GRCh38, 1-based): chr1:46,278,089, G>A. VCF-style: chr1-46278089-G-A. GRCh37 (hg19) VCF-style: chr1-46743761-G-A.
Other names: c.*776C>T (NM_006369.5); c.2051G>A, p.Cys684Tyr (NM_001142548.2); c.1511G>A, p.Cys504Tyr (NM_001370766.1); short protein forms C504Y, C684Y.
Identifiers: ClinVar variation 1785079 (VCV001785079.2), dbSNP rs769509652, ClinGen allele CA21900108.